The following is an entry in ClinVar:

NM_021922.3(FANCE):c.821T>C (p.Leu274Pro)

Gene: FANCE (FA complementation group E; plus strand). Cytogenetic location: 6p21.31.
Variant type: single nucleotide variant.
Coding change: c.821T>C on transcript NM_021922.3 (MANE Select); coding-DNA position 821, T replaced by C.
Protein change: p.Leu274Pro; replaces leucine 274 with proline.
Molecular consequence: missense variant.
Genome position (GRCh38, 1-based): chr6:35,456,319, T>C. VCF-style: chr6-35456319-T-C. GRCh37 (hg19) VCF-style: chr6-35424096-T-C.
Other names: short protein forms L274P.
Identifiers: ClinVar variation 1037112 (VCV001037112.5), dbSNP rs376591931, ClinGen allele CA137295218.
Genomic context (GRCh38, chr6:35,456,319, plus strand): 5'-AGCCTGTCATGGCAGTTAAGACTGGCGAGGACGGTTCGAATCTGGATGATGCTAAAGGTC[T>C]GGCTGAGAGTTTGGAGTTGCCCAAAGCTATCCAGGTACTTTGGTAGGGAGACTGGGTTTA-3'
Protein context (NP_068741.1, residues 264-284): DGSNLDDAKG[Leu274Pro]AESLELPKAI

ClinVar aggregate classification (germline): Uncertain significance (1 of 4 stars; one submission).

Conditions:
Fanconi anemia complementation group E (FANCE). Also called: FANCE-Related Fanconi Anemia. Identifiers: Orphanet 84, MedGen C3160739, MONDO:0010953, OMIM 600901.

Allele frequency attached by ClinVar (database versions not stated): gnomAD 0.00001; TOPMed 0.00002; ESP Exome Variant Server 0.00008.
gnomAD v4.1: 2 of 1,614,078 alleles (0.00012%); highest among the groups gnomAD compares: African/African-American, 0.0027%; no homozygotes.

Submission:

Labcorp Genetics (formerly Invitae), Labcorp
Classification: Uncertain significance for Fanconi anemia complementation group E. Last evaluated: 2023-08-17. Review status: criteria provided, single submitter. Criteria: Invitae Variant Classification Sherloc (09022015). Collection method: clinical testing. Allele origin: germline.
Comment: In summary, the available evidence is currently insufficient to determine the role of this variant in disease. Therefore, it has been classified as a Variant of Uncertain Significance. Advanced modeling of protein sequence and biophysical properties (such as structural, functional, and spatial information, amino acid conservation, physicochemical variation, residue mobility, and thermodynamic stability) performed at Invitae indicates that this missense variant is not expected to disrupt FANCE protein function. ClinVar contains an entry for this variant (Variation ID: 1037112). This variant has not been reported in the literature in individuals affected with FANCE-related conditions. This variant is present in population databases (rs376591931, gnomAD 0.01%). This sequence change replaces leucine, which is neutral and non-polar, with proline, which is neutral and non-polar, at codon 274 of the FANCE protein (p.Leu274Pro).